The following is an entry in ClinVar:

NM_020366.4(RPGRIP1):c.1118T>C (p.Leu373Ser)

Gene: RPGRIP1 (RPGR interacting protein 1; plus strand). Cytogenetic location: 14q11.2.
Variant type: single nucleotide variant.
Coding change: c.1118T>C on transcript NM_020366.4 (MANE Select); coding-DNA position 1118, T replaced by C.
Protein change: p.Leu373Ser; replaces leucine 373 with serine.
Molecular consequence: missense variant.
Genome position (GRCh38, 1-based): chr14:21,312,473, T>C. VCF-style: chr14-21312473-T-C. GRCh37 (hg19) VCF-style: chr14-21780632-T-C.
Other names: short protein forms L373S.
Identifiers: ClinVar variation 1714877 (VCV001714877.5), dbSNP rs2502735381, ClinGen allele CA388862838.

ClinVar aggregate classification (germline): Uncertain significance (1 of 4 stars; one submission).

Conditions:
Cone-rod dystrophy 13 (CORD13). Identifiers: Orphanet 1872, MedGen C2750720, MONDO:0011987, OMIM 608194.
Leber congenital amaurosis 6 (LCA6). Identifiers: Orphanet 65, MedGen C1854260, MONDO:0013446, OMIM 613826.

Submission:

Labcorp Genetics (formerly Invitae), Labcorp
Classification: Uncertain significance for Leber congenital amaurosis 6; Cone-rod dystrophy 13. Last evaluated: 2022-11-22. Review status: criteria provided, single submitter. Criteria: Invitae Variant Classification Sherloc (09022015). Collection method: clinical testing. Allele origin: germline.
Comment: This variant has not been reported in the literature in individuals affected with RPGRIP1-related conditions. In summary, the available evidence is currently insufficient to determine the role of this variant in disease. Therefore, it has been classified as a Variant of Uncertain Significance. Advanced modeling of protein sequence and biophysical properties (such as structural, functional, and spatial information, amino acid conservation, physicochemical variation, residue mobility, and thermodynamic stability) performed at Invitae indicates that this missense variant is expected to disrupt RPGRIP1 protein function. This variant is not present in population databases (gnomAD no frequency). This sequence change replaces leucine, which is neutral and non-polar, with serine, which is neutral and polar, at codon 373 of the RPGRIP1 protein (p.Leu373Ser).